The following is an entry in ClinVar:

NM_006231.4(POLE):c.1742C>G (p.Ala581Gly)

Gene: POLE (DNA polymerase epsilon, catalytic subunit; minus strand). Cytogenetic location: 12q24.33.
Variant type: single nucleotide variant.
Coding change: c.1742C>G on transcript NM_006231.4 (MANE Select); coding-DNA position 1742, C replaced by G.
Protein change: p.Ala581Gly; replaces alanine 581 with glycine.
Molecular consequence: missense variant.
Genome position (GRCh38, 1-based): chr12:132,672,267, G>C on the plus strand (C>G on the coding strand, the complement: POLE is on the minus strand). VCF-style: chr12-132672267-G-C. GRCh37 (hg19) VCF-style: chr12-133248853-G-C.
Other names: c.1742C>G (NM_006231.2); short protein forms A581G.
Identifiers: ClinVar variation 801258 (VCV000801258.8), dbSNP rs753890723, ClinGen allele CA387356316.

ClinVar aggregate classification (germline): Uncertain significance. Review status: criteria provided, multiple submitters, no conflicts (2 of 4 stars). 4 submissions from 4 submitters: Uncertain significance (4). Last evaluated 2025-03-01.

Conditions:
Hereditary cancer-predisposing syndrome. Also called: Tumor predisposition; Neoplastic Syndromes, Hereditary; Hereditary Cancer Syndrome; Hereditary neoplastic syndrome. Identifiers: Orphanet 140162, MedGen C0027672, MeSH D009386, MONDO:0015356.
Colorectal cancer, susceptibility to, 12 (CRCS12). Also called: COLORECTAL CANCER, SUSCEPTIBILITY TO, ON CHROMOSOME 12q24. Identifiers: Orphanet 220460, MedGen C3554460, MONDO:0014038, OMIM 615083.

gnomAD v4.1: 1 of 1,614,178 alleles (0.000062%); highest among the groups gnomAD compares: Non-Finnish European, 0.000085%; no homozygotes.

Submissions (4):

Ambry Genetics
Classification: Uncertain significance for Hereditary cancer-predisposing syndrome. Last evaluated: 2025-03-01. Review status: criteria provided, single submitter. Criteria: Ambry Variant Classification Scheme 2023. Collection method: clinical testing. Allele origin: germline.
Comment: The p.A581G variant (also known as c.1742C>G), located in coding exon 16 of the POLE gene, results from a C to G substitution at nucleotide position 1742. The alanine at codon 581 is replaced by glycine, an amino acid with similar properties. This amino acid position is highly conserved in available vertebrate species. In addition, this alteration is predicted to be tolerated by in silico analysis. Based on the available evidence, the clinical significance of this variant remains unclear.

Labcorp Genetics (formerly Invitae), Labcorp
Classification: Uncertain significance. Last evaluated: 2024-12-30. Review status: criteria provided, single submitter. Criteria: Invitae Variant Classification Sherloc (09022015). Collection method: clinical testing. Allele origin: germline.
Comment: This sequence change replaces alanine, which is neutral and non-polar, with glycine, which is neutral and non-polar, at codon 581 of the POLE protein (p.Ala581Gly). This variant is not present in population databases (gnomAD no frequency). This variant has not been reported in the literature in individuals affected with POLE-related conditions. ClinVar contains an entry for this variant (Variation ID: 801258). Invitae Evidence Modeling of protein sequence and biophysical properties (such as structural, functional, and spatial information, amino acid conservation, physicochemical variation, residue mobility, and thermodynamic stability) indicates that this missense variant is not expected to disrupt POLE protein function with a negative predictive value of 80%. In summary, the available evidence is currently insufficient to determine the role of this variant in disease. Therefore, it has been classified as a Variant of Uncertain Significance.

MGZ Medical Genetics Center
Classification: Uncertain significance for Colorectal cancer, susceptibility to, 12. Last evaluated: 2022-01-13. Review status: criteria provided, single submitter. Criteria: ACMG Guidelines, 2015. Collection method: clinical testing. Allele origin: germline. Affected: yes. Observed: 1 variant allele.
Comment: ACMG criteria applied: PM2_SUP, BP4

Quest Diagnostics Nichols Institute San Juan Capistrano
Classification: Uncertain significance. Last evaluated: 2019-08-26. Review status: criteria provided, single submitter. Criteria: Quest Diagnostics criteria. Collection method: clinical testing. Allele origin: unknown.